The following is an entry in ClinVar:

NM_013296.5(GPSM2):c.977G>A (p.Trp326Ter)

Gene: GPSM2 (G protein signaling modulator 2; plus strand). Cytogenetic location: 1p13.3.
Variant type: single nucleotide variant.
Coding change: c.977G>A on transcript NM_013296.5 (MANE Select); coding-DNA position 977, G replaced by A.
Protein change: p.Trp326Ter; replaces tryptophan 326 with a stop codon.
Molecular consequence: nonsense.
Genome position (GRCh38, 1-based): chr1:108,903,149, G>A. VCF-style: chr1-108903149-G-A. GRCh37 (hg19) VCF-style: chr1-109445771-G-A.
Other names: NM_013296.4:c.977G>A, p.(Trp326*); c.977G>A, p.Trp326Ter (NM_001321038.2, NM_001321039.3); short protein forms W326*.
Identifiers: ClinVar variation 402258 (VCV000402258.3), dbSNP rs1060499797, ClinGen allele CA16609558.

ClinVar aggregate classification (germline): Pathogenic. Review status: criteria provided, single submitter (1 of 4 stars). 2 submissions from 2 submitters: Pathogenic (1). 1 of the submissions does not count toward it. Last evaluated 2020-08-01.

Conditions:
Chudley-McCullough syndrome (CMCS). Also called: DEAFNESS, SENSORINEURAL, WITH PARTIAL AGENESIS OF THE CORPUS CALLOSUM AND ARACHNOID CYSTS; Deafness, autosomal recessive 82. Identifiers: Orphanet 314597, MedGen C1858695, MONDO:0011411, OMIM 604213.
Hearing loss, autosomal recessive. Also called: Nonsyndromic Hearing Loss, Recessive; Deafness, autosomal recessive; Rare autosomal recessive non-syndromic sensorineural deafness type DFNB; Autosomal recessive nonsyndromic deafness. Identifiers: Orphanet 90635, Orphanet 90636, MedGen C1846647, MONDO:0019588, OMIM 607197.

Submissions (2):

King Laboratory, University of Washington
Classification: Pathogenic for Chudley-McCullough syndrome. Last evaluated: 2020-08-01. Review status: criteria provided, single submitter. Criteria: Abu Rayyan A et al. (Proc Natl Acad Sci U S A 2020). Collection method: research. Allele origin: germline. Affected: yes.
Comment: GPSM2 c.977G>A leads to a stop at codon 326. It is homozygous in 6 members of an extended Palestinian kindrd with severe to profound pre-lingual hearing loss (Abu Rayyan 2020). Mental and physical developmental delay is reported for some of the affected individuals. The variant is absent from 1300 Palestinian controls and from public databases.

Hereditary Research Laboratory, Bethlehem University
Classification: Pathogenic for Hearing loss, autosomal recessive. Last evaluated: 2016-06-04. Review status: no assertion criteria provided. Collection method: research. Allele origin: germline. Affected: yes. Not counted in ClinVar's aggregate classification.
Comment: Severe to Profound